The following is an entry in ClinVar:

ClinVar aggregate classification (germline): Uncertain significance (1 of 4 stars; one submission).

gnomAD v4.1: 9 of 1,612,334 alleles (0.00056%); highest among the groups gnomAD compares: Non-Finnish European, 0.00076%; no homozygotes.

Submission:

Labcorp Genetics (formerly Invitae), Labcorp
Classification: Uncertain significance. Last evaluated: 2025-11-21. Review status: criteria provided, single submitter. Criteria: Invitae Variant Classification Sherloc (09022015). Collection method: clinical testing. Allele origin: germline.
Comment: This sequence change replaces leucine, which is neutral and non-polar, with phenylalanine, which is neutral and non-polar, at codon 496 of the GCKR protein (p.Leu496Phe). This variant is present in population databases (rs757074607, gnomAD 0.004%). This missense change has been observed in individual(s) with dyslipidemia (PMID: 36325899). Invitae Evidence Modeling of protein sequence and biophysical properties (such as structural, functional, and spatial information, amino acid conservation, physicochemical variation, residue mobility, and thermodynamic stability) indicates that this missense variant is expected to disrupt GCKR protein function with a positive predictive value of 80%. In summary, the available evidence is currently insufficient to determine the role of this variant in disease. Therefore, it has been classified as a Variant of Uncertain Significance.

Literature cited by the submitters: PubMed 36325899.

NM_001486.4(GCKR):c.1486C>T (p.Leu496Phe)

Gene: GCKR (glucokinase regulator; plus strand). Cytogenetic location: 2p23.3.
Variant type: single nucleotide variant.
Coding change: c.1486C>T on transcript NM_001486.4 (MANE Select); coding-DNA position 1486, C replaced by T.
Protein change: p.Leu496Phe; replaces leucine 496 with phenylalanine.
Molecular consequence: missense variant.
Genome position (GRCh38, 1-based): chr2:27,518,851, C>T. VCF-style: chr2-27518851-C-T. GRCh37 (hg19) VCF-style: chr2-27741718-C-T.
Other names: short protein forms L496F.
Identifiers: ClinVar variation 4804890 (VCV004804890.1).
Genomic context (GRCh38, chr2:27,518,851, plus strand): 5'-TTCCAGCGTGAGCTAAGCACCAAATGGGTGCTGAATACAGTGAGTACAGGTGCTCATGTG[C>T]TTCTTGGTAAGATCCTACAAAACCACATGTTGGACCTTCGGATTAGCAACTCCAAGCTCT-3'
Protein context (NP_001477.2, residues 486-506): LNTVSTGAHV[Leu496Phe]LGKILQNHML